The following is an entry in ClinVar:

NM_000038.6(APC):c.3670A>G (p.Asn1224Asp)

Gene: APC (APC regulator of Wnt signaling pathway; plus strand). Cytogenetic location: 5q22.2.
Variant type: single nucleotide variant.
Coding change: c.3670A>G on transcript NM_000038.6 (MANE Select); coding-DNA position 3670, A replaced by G.
Protein change: p.Asn1224Asp; replaces asparagine 1224 with aspartic acid.
Molecular consequence: missense variant.
Genome position (GRCh38, 1-based): chr5:112,839,264, A>G. VCF-style: chr5-112839264-A-G. GRCh37 (hg19) VCF-style: chr5-112174961-A-G.
Other names: c.3724A>G, p.Asn1242Asp (NM_001354896.2); c.3700A>G, p.Asn1234Asp (NM_001354897.2); c.3595A>G, p.Asn1199Asp (NM_001354898.2); c.3670A>G, p.Asn1224Asp (NM_001127510.3, NM_001354895.2); c.3616A>G, p.Asn1206Asp (NM_001127511.3); c.3493A>G, p.Asn1165Asp (NM_001354901.2); c.3397A>G, p.Asn1133Asp (NM_001354902.2); c.3367A>G, p.Asn1123Asp (NM_001354903.2); and 6 more; short protein forms N1064D, N1098D, N1123D, N1196D, N1199D, N1234D, N941D, N1165D.
Identifiers: ClinVar variation 1524144 (VCV001524144.9), dbSNP rs1765489544, ClinGen allele CA16029387.
Genomic context (GRCh38, chr5:112,839,264, plus strand): 5'-CAAAGCAGTAAAACCGAACATATGTCTTCAAGCAGTGAGAATACGTCCACACCTTCATCT[A>G]ATGCCAAGAGGCAGAATCAGCTCCATCCAAGTTCTGCACAGAGTAGAAGTGGTCAGCCTC-3'
Protein context (NP_000029.2, residues 1214-1234): SSENTSTPSS[Asn1224Asp]AKRQNQLHPS

ClinVar aggregate classification (germline): Uncertain significance. Review status: criteria provided, multiple submitters, no conflicts (2 of 4 stars). 2 submissions from 2 submitters: Uncertain significance (2). Last evaluated 2024-12-30.

Conditions:
Familial adenomatous polyposis 1 (FAP1). Also called: FAMILIAL ADENOMATOUS POLYPOSIS 1, ATTENUATED; POLYPOSIS, ADENOMATOUS INTESTINAL. Identifiers: MedGen C2713442, MONDO:0021056, OMIM 175100. Disease mechanism: loss of function.
Hereditary cancer-predisposing syndrome. Also called: Hereditary neoplastic syndrome; Hereditary Cancer Syndrome; Tumor predisposition; Neoplastic Syndromes, Hereditary. Identifiers: Orphanet 140162, MedGen C0027672, MeSH D009386, MONDO:0015356.

gnomAD v4.1: 1 of 1,614,172 alleles (0.000062%); highest among the groups gnomAD compares: Non-Finnish European, 0.000085%; no homozygotes.

Submissions (2):

Ambry Genetics
Classification: Uncertain significance for Hereditary cancer-predisposing syndrome. Last evaluated: 2024-12-30. Review status: criteria provided, single submitter. Criteria: Ambry Variant Classification Scheme 2023. Collection method: clinical testing. Allele origin: germline.
Comment: The p.N1224D variant (also known as c.3670A>G), located in coding exon 15 of the APC gene, results from an A to G substitution at nucleotide position 3670. The asparagine at codon 1224 is replaced by aspartic acid, an amino acid with highly similar properties. This amino acid position is conserved. In addition, in silico predictors for this gene do not accurately predict pathogenicity. Based on the available evidence, the clinical significance of this variant remains unclear.

Labcorp Genetics (formerly Invitae), Labcorp
Classification: Uncertain significance for Familial adenomatous polyposis 1. Last evaluated: 2021-04-12. Review status: criteria provided, single submitter. Criteria: Invitae Variant Classification Sherloc (09022015). Collection method: clinical testing. Allele origin: germline.
Comment: In summary, the available evidence is currently insufficient to determine the role of this variant in disease. Therefore, it has been classified as a Variant of Uncertain Significance. Algorithms developed to predict the effect of missense changes on protein structure and function (SIFT, PolyPhen-2, Align-GVGD) all suggest that this variant is likely to be tolerated, but these predictions have not been confirmed by published functional studies and their clinical significance is uncertain. This variant has not been reported in the literature in individuals with APC-related conditions. This variant is not present in population databases (ExAC no frequency). This sequence change replaces asparagine with aspartic acid at codon 1224 of the APC protein (p.Asn1224Asp). The asparagine residue is moderately conserved and there is a small physicochemical difference between asparagine and aspartic acid.